The following is an entry in ClinVar:

NM_206933.4(USH2A):c.10585+3A>G

Gene: USH2A (usherin; minus strand). Cytogenetic location: 1q41.
Variant type: single nucleotide variant.
Coding change: c.10585+3A>G on transcript NM_206933.4 (MANE Select); 3 bases into the intron after coding-DNA position 10585, A replaced by G.
Molecular consequence: intron variant.
Genome position (GRCh38, 1-based): chr1:215,782,735, T>C on the plus strand (A>G on the coding strand, the complement: USH2A is on the minus strand). VCF-style: chr1-215782735-T-C. GRCh37 (hg19) VCF-style: chr1-215956077-T-C.
Identifiers: ClinVar variation 1065905 (VCV001065905.9), dbSNP rs2102763350, ClinGen allele CA2499214460.

ClinVar aggregate classification (germline): Pathogenic. Review status: criteria provided, multiple submitters, no conflicts (2 of 4 stars). 3 submissions from 3 submitters: Pathogenic (3). Last evaluated 2026-06-02.

Conditions:
Usher syndrome. Also called: Usher Syndromes; Usher's syndrome. Identifiers: Orphanet 886, MedGen CN469326, MeSH D052245, MONDO:0019501. Disease mechanism: loss of function.

Submissions (3):

Women's Health and Genetics/Laboratory Corporation of America, LabCorp
Classification: Pathogenic for Usher syndrome. Last evaluated: 2026-06-02. Review status: criteria provided, single submitter. Criteria: LabCorp Variant Classification Summary - May 2015. Collection method: clinical testing. Allele origin: germline.
Comment: Variant summary: USH2A c.10585+3A>G alters a conserved nucleotide located close to a canonical splice site and therefore could affect mRNA splicing, leading to a significantly altered protein sequence. Several computational tools predict a significant impact on normal splicing: One predicts the variant abolishes the canonical 5' splicing donor site and one predicts the variant weakens the 5' donor site. At least one publication reports experimental evidence that this variant indeed affects mRNA splicing (Le Guedard-Mereuze_2009). The variant was absent in 250818 control chromosomes. c.10585+3A>G has been observed in individuals affected with and/or with clinical features of Usher syndrome (Baux_2014, Schlottmann_2023, internal data). These data indicate that the variant is likely associated with disease. The following publications have been ascertained in the context of this evaluation (PMID: 24944099, 19606495, 37217489). ClinVar contains an entry for this variant (Variation ID: 1065905). Based on the evidence outlined above, the variant was classified as pathogenic.

GeneDx
Classification: Pathogenic. Last evaluated: 2024-12-04. Review status: criteria provided, single submitter. Criteria: GeneDx Variant Classification Process June 2021. Collection method: clinical testing. Allele origin: germline. Affected: yes.
Comment: Non-canonical splice site variant demonstrated to result in loss of function (PMID: 20052763); Not observed at significant frequency in large population cohorts (gnomAD); This variant is associated with the following publications: (PMID: 20052763, 37217489, 24944099)

Labcorp Genetics (formerly Invitae), Labcorp
Classification: Pathogenic. Last evaluated: 2024-03-30. Review status: criteria provided, single submitter. Criteria: Invitae Variant Classification Sherloc (09022015). Collection method: clinical testing. Allele origin: germline.
Comment: This sequence change falls in intron 53 of the USH2A gene. It does not directly change the encoded amino acid sequence of the USH2A protein. RNA analysis indicates that this variant induces altered splicing and likely disrupts the C-terminus of the protein. This variant is not present in population databases (gnomAD no frequency). This variant has been observed in individual(s) with clinical features of Usher syndrome (PMID: 24944099; Invitae). ClinVar contains an entry for this variant (Variation ID: 1065905). Variants that disrupt the consensus splice site are a relatively common cause of aberrant splicing (PMID: 17576681, 9536098). Studies have shown that this variant results in activation of a cryptic splice site and introduces a new termination codon (PMID: 20052763). However the mRNA is not expected to undergo nonsense-mediated decay. For these reasons, this variant has been classified as Pathogenic.

Literature cited by the submitters: PubMed 24944099 (cited by Women's Health and Genetics/Laboratory Corporation of America, LabCorp and Labcorp Genetics (formerly Invitae), Labcorp); PubMed 37217489 (cited by Women's Health and Genetics/Laboratory Corporation of America, LabCorp); PubMed 19606495 (cited by Women's Health and Genetics/Laboratory Corporation of America, LabCorp); PubMed 17576681 (cited by Labcorp Genetics (formerly Invitae), Labcorp); PubMed 9536098 (cited by Labcorp Genetics (formerly Invitae), Labcorp); PubMed 20052763 (cited by Labcorp Genetics (formerly Invitae), Labcorp).